The following is an entry in ClinVar:

NM_001130823.3(DNMT1):c.4091A>G (p.Lys1364Arg)

Gene: DNMT1 (DNA methyltransferase 1; minus strand). Cytogenetic location: 19p13.2.
Variant type: single nucleotide variant.
Coding change: c.4091A>G on transcript NM_001130823.3 (MANE Select); coding-DNA position 4091, A replaced by G.
Protein change: p.Lys1364Arg; replaces lysine 1364 with arginine.
Molecular consequence: missense variant.
Genome position (GRCh38, 1-based): chr19:10,138,463, T>C on the plus strand (A>G on the coding strand, the complement: DNMT1 is on the minus strand). VCF-style: chr19-10138463-T-C. GRCh37 (hg19) VCF-style: chr19-10249139-T-C.
Other names: c.4043A>G, p.Lys1348Arg (NM_001318730.2, NM_001379.4); c.3728A>G, p.Lys1243Arg (NM_001318731.2); short protein forms K1243R, K1364R, K1348R.
Identifiers: ClinVar variation 808441 (VCV000808441.45), dbSNP rs1369475967, ClinGen allele CA403970849.

ClinVar aggregate classification (germline): Uncertain significance. Review status: criteria provided, multiple submitters, no conflicts (2 of 4 stars). 2 submissions from 2 submitters: Uncertain significance (2). Last evaluated 2023-06-17.

Conditions:
Hereditary sensory neuropathy-deafness-dementia syndrome. Also called: HSN IE; NEUROPATHY, HEREDITARY SENSORY, WITH HEARING LOSS AND DEMENTIA; Hereditary Sensory and Autonomic Neuropathy Type 1E (HSAN1E); Hereditary sensory neuropathy type IE. Identifiers: Orphanet 456318, MedGen C3279885, MONDO:0013584, OMIM 614116.

Allele frequency attached by ClinVar (database versions not stated): gnomAD exomes below 0.00001.
gnomAD v4.1: 1 of 1,613,988 alleles (0.000062%); highest among the groups gnomAD compares: Non-Finnish European, 0.000085%; no homozygotes.

Submissions (2):

Labcorp Genetics (formerly Invitae), Labcorp
Classification: Uncertain significance for Hereditary sensory neuropathy-deafness-dementia syndrome. Last evaluated: 2023-06-17. Review status: criteria provided, single submitter. Criteria: Invitae Variant Classification Sherloc (09022015). Collection method: clinical testing. Allele origin: germline.
Comment: In summary, the available evidence is currently insufficient to determine the role of this variant in disease. Therefore, it has been classified as a Variant of Uncertain Significance. Advanced modeling of protein sequence and biophysical properties (such as structural, functional, and spatial information, amino acid conservation, physicochemical variation, residue mobility, and thermodynamic stability) performed at Invitae indicates that this missense variant is not expected to disrupt DNMT1 protein function. ClinVar contains an entry for this variant (Variation ID: 808441). This variant has not been reported in the literature in individuals affected with DNMT1-related conditions. This variant is not present in population databases (gnomAD no frequency). This sequence change replaces lysine, which is basic and polar, with arginine, which is basic and polar, at codon 1364 of the DNMT1 protein (p.Lys1364Arg).

CeGaT Center for Human Genetics Tuebingen
Classification: Uncertain significance. Last evaluated: 2017-03-01. Review status: criteria provided, single submitter. Criteria: CeGaT Center For Human Genetics Tuebingen Variant Classification Criteria Version 2. Collection method: clinical testing. Allele origin: germline. Affected: yes. Observed: 1 variant allele.